The following is an entry in ClinVar:

NM_006118.4(HAX1):c.319C>T (p.Leu107Phe)

Gene: HAX1 (HCLS1 associated protein X-1; plus strand). Cytogenetic location: 1q21.3.
Variant type: single nucleotide variant.
Coding change: c.319C>T on transcript NM_006118.4 (MANE Select); coding-DNA position 319, C replaced by T.
Protein change: p.Leu107Phe; replaces leucine 107 with phenylalanine.
Molecular consequence: missense variant.
Genome position (GRCh38, 1-based): chr1:154,273,776, C>T. VCF-style: chr1-154273776-C-T. GRCh37 (hg19) VCF-style: chr1-154246252-C-T.
Other names: c.175C>T, p.Leu59Phe (NM_001018837.2); short protein forms L59F, L107F.
Identifiers: ClinVar variation 3673642 (VCV003673642.3).

ClinVar aggregate classification (germline): Uncertain significance. Review status: criteria provided, multiple submitters, no conflicts (2 of 4 stars). 2 submissions from 2 submitters: Uncertain significance (2). Last evaluated 2025-09-30.

Conditions:
Inborn genetic diseases. Identifiers: MedGen C0950123, MeSH D030342.
Kostmann syndrome (SCN3). Also called: Autosomal recessive severe congenital neutropenia type 3; KOSTMANN DISEASE. Identifiers: Orphanet 99749, MedGen C5235141, MONDO:0012548, OMIM 610738.

gnomAD v4.1: 12 of 1,614,158 alleles (0.00074%); highest among the groups gnomAD compares: East Asian, 0.025%; no homozygotes.

Submissions (2):

Labcorp Genetics (formerly Invitae), Labcorp
Classification: Uncertain significance for Kostmann syndrome. Last evaluated: 2025-09-30. Review status: criteria provided, single submitter. Criteria: Invitae Variant Classification Sherloc (09022015). Collection method: clinical testing. Allele origin: germline.
Comment: This sequence change replaces leucine, which is neutral and non-polar, with phenylalanine, which is neutral and non-polar, at codon 107 of the HAX1 protein (p.Leu107Phe). This variant is not present in population databases (gnomAD no frequency). This variant has not been reported in the literature in individuals affected with HAX1-related conditions. ClinVar contains an entry for this variant (Variation ID: 3673642). An algorithm developed to predict the effect of missense changes on protein structure and function (PolyPhen-2) suggests that this variant is likely to be disruptive. In summary, the available evidence is currently insufficient to determine the role of this variant in disease. Therefore, it has been classified as a Variant of Uncertain Significance.

Ambry Genetics
Classification: Uncertain significance for Inborn genetic diseases. Last evaluated: 2025-05-07. Review status: criteria provided, single submitter. Criteria: Ambry Variant Classification Scheme 2023. Collection method: clinical testing. Allele origin: germline.
Comment: The p.L107F variant (also known as c.319C>T), located in coding exon 3 of the HAX1 gene, results from a C to T substitution at nucleotide position 319. The leucine at codon 107 is replaced by phenylalanine, an amino acid with highly similar properties. This amino acid position is conserved. In addition, this alteration is predicted to be tolerated by in silico analysis. Based on the available evidence, the clinical significance of this variant remains unclear.